The following is an entry in ClinVar:

ClinVar aggregate classification (germline): Uncertain significance (1 of 4 stars; one submission).

Conditions:
Ornithine aminotransferase deficiency (GACR). Also called: Ornithine ketoacid aminotransferase deficiency; Gyrate atrophy; Gyrate atrophy of choroid and retina; Girate atrophy of the retina; HYPERORNITHINEMIA WITH GYRATE ATROPHY OF CHOROID AND RETINA; OAT DEFICIENCY. Identifiers: Orphanet 414, MedGen C0018425, MONDO:0009796, OMIM 258870.

Submission:

Labcorp Genetics (formerly Invitae), Labcorp
Classification: Uncertain significance for Ornithine aminotransferase deficiency. Last evaluated: 2022-05-05. Review status: criteria provided, single submitter. Criteria: Invitae Variant Classification Sherloc (09022015). Collection method: clinical testing. Allele origin: germline.
Comment: In summary, the available evidence is currently insufficient to determine the role of this variant in disease. Therefore, it has been classified as a Variant of Uncertain Significance. Algorithms developed to predict the effect of missense changes on protein structure and function (SIFT, PolyPhen-2, Align-GVGD) all suggest that this variant is likely to be tolerated. This variant has not been reported in the literature in individuals affected with OAT-related conditions. This variant is not present in population databases (gnomAD no frequency). This sequence change replaces alanine, which is neutral and non-polar, with threonine, which is neutral and polar, at codon 346 of the OAT protein (p.Ala346Thr).

NM_000274.4(OAT):c.1036G>A (p.Ala346Thr)

Gene: OAT (ornithine aminotransferase; minus strand). Cytogenetic location: 10q26.13.
Variant type: single nucleotide variant.
Coding change: c.1036G>A on transcript NM_000274.4 (MANE Select); coding-DNA position 1036, G replaced by A.
Protein change: p.Ala346Thr; replaces alanine 346 with threonine.
Molecular consequence: missense variant.
Genome position (GRCh38, 1-based): chr10:124,400,963, C>T on the plus strand (G>A on the coding strand, the complement: OAT is on the minus strand). VCF-style: chr10-124400963-C-T. GRCh37 (hg19) VCF-style: chr10-126089532-C-T.
Other names: c.622G>A, p.Ala208Thr (NM_001171814.2); c.1036G>A, p.Ala346Thr (NM_001322965.2, NM_001322966.2, NM_001322967.2 and 3 more transcripts); c.715G>A, p.Ala239Thr (NM_001322971.2); c.436G>A, p.Ala146Thr (NM_001322974.2); short protein forms A146T, A208T, A346T, A239T.
Identifiers: ClinVar variation 2134111 (VCV002134111.4), dbSNP rs2494445146, ClinGen allele CA378633765.